The following is an entry in ClinVar:

NM_203446.3(SYNJ1):c.3635C>T (p.Ala1212Val)

Gene: SYNJ1 (synaptojanin 1; minus strand). Cytogenetic location: 21q22.11.
Variant type: single nucleotide variant.
Coding change: c.3635C>T on transcript NM_203446.3 (MANE Select); coding-DNA position 3635, C replaced by T.
Protein change: p.Ala1212Val; replaces alanine 1212 with valine.
Molecular consequence: missense variant.
Genome position (GRCh38, 1-based): chr21:32,639,733, G>A on the plus strand (C>T on the coding strand, the complement: SYNJ1 is on the minus strand). VCF-style: chr21-32639733-G-A. GRCh37 (hg19) VCF-style: chr21-34012043-G-A.
Other names: c.3587C>T, p.Ala1196Val (NM_001160302.2); c.3494C>T, p.Ala1165Val (NM_001160306.2); c.3752C>T, p.Ala1251Val (NM_003895.4); short protein forms A1165V, A1196V, A1212V, A1251V.
Identifiers: ClinVar variation 1082568 (VCV001082568.13), dbSNP rs386352368, ClinGen allele CA10003305.
Genomic context (GRCh38, chr21:32,639,733, plus strand): 5'-TTCGACGTTTCTGATGTTTTGCTTTGGCTTTCAGGAGTCAGTCTTCCAGCAGATGCCCGC[G>A]CGTGGCTCTGTGGGGCACTGATAACTCCAGCACGAGGAGGAATCGTCTACAGATAGGAAA-3'
Protein context (NP_982271.3, residues 1202-1222): AGVISAPQSH[Ala1212Val]RASAGRLTPE

ClinVar aggregate classification (germline): Likely benign. Review status: criteria provided, multiple submitters, no conflicts (2 of 4 stars). 2 submissions from 2 submitters: Likely benign (2). Last evaluated 2026-02-01.

Conditions:
Developmental and epileptic encephalopathy, 53. Also called: Epileptic encephalopathy, early infantile, 53. Identifiers: MedGen C4479313, MONDO:0033362, OMIM 617389.
Early-onset Parkinson disease 20. Also called: PARKINSON DISEASE 20, AUTOSOMAL RECESSIVE EARLY-ONSET. Identifiers: Orphanet 391411, MedGen C3809824, MONDO:0014233, OMIM 615530.

Allele frequency attached by ClinVar (database versions not stated): gnomAD 0.00001 and 0.00008; TOPMed 0.00002; ExAC 0.00015; 1000 Genomes Project 30x 0.00016; 1000 Genomes Project 0.00020.
gnomAD v4.1: 135 of 1,614,126 alleles (0.0084%); highest among the groups gnomAD compares: South Asian, 0.13%; 2 homozygotes.

Submissions (2):

CeGaT Center for Human Genetics Tuebingen
Classification: Likely benign. Last evaluated: 2026-02-01. Review status: criteria provided, single submitter. Criteria: CeGaT Center For Human Genetics Tuebingen Variant Classification Criteria Version 2. Collection method: clinical testing. Allele origin: germline. Affected: yes. Observed: 1 variant allele.
Comment: SYNJ1: BP4, BS2

Labcorp Genetics (formerly Invitae), Labcorp
Classification: Likely benign for Developmental and epileptic encephalopathy, 53; Early-onset Parkinson disease 20. Last evaluated: 2026-01-01. Review status: criteria provided, single submitter. Criteria: Invitae Variant Classification Sherloc (09022015). Collection method: clinical testing. Allele origin: germline.